The following is an entry in ClinVar:

ClinVar aggregate classification (germline): Likely benign (1 of 4 stars; one submission).

Allele frequency attached by ClinVar (database versions not stated): TOPMed 0.00006; gnomAD 0.00030; 1000 Genomes Project 0.00120; 1000 Genomes Project 30x 0.00141.
gnomAD v4.1: 61 of 238,764 alleles (0.026%); highest among the groups gnomAD compares: South Asian, 0.98%; 1 homozygote.

Submission:

CeGaT Center for Human Genetics Tuebingen
Classification: Likely benign. Last evaluated: 2023-07-01. Review status: criteria provided, single submitter. Criteria: CeGaT Center For Human Genetics Tuebingen Variant Classification Criteria Version 2. Collection method: clinical testing. Allele origin: germline. Affected: yes. Observed: 2 variant alleles.
Comment: CCND2: BS1

NM_001759.4(CCND2):c.*412C>T

Gene: CCND2 (cyclin D2; plus strand). Cytogenetic location: 12p13.32.
Variant type: single nucleotide variant.
Coding change: c.*412C>T on transcript NM_001759.4 (MANE Select); 412 bases downstream of the stop codon, C replaced by T.
Molecular consequence: 3 prime UTR variant.
Genome position (GRCh38, 1-based): chr12:4,300,421, C>T. VCF-style: chr12-4300421-C-T. GRCh37 (hg19) VCF-style: chr12-4409587-C-T.
Identifiers: ClinVar variation 2642583 (VCV002642583.24), dbSNP rs539437467, ClinGen allele CA231747785.